The following is an entry in ClinVar:

ClinVar aggregate classification (germline): Pathogenic. Review status: criteria provided, multiple submitters, no conflicts (2 of 4 stars). 3 submissions from 3 submitters: Pathogenic (3). Last evaluated 2023-07-17.

Conditions:
Bardet-Biedl syndrome 6 (BBS6). Identifiers: Orphanet 110, MedGen C1858054, MONDO:0011523, OMIM 605231.
MKKS-related disorder. Also called: MKKS-related disorders; MKKS-related condition.

Submissions (3):

Baylor Genetics
Classification: Pathogenic for Bardet-Biedl syndrome 6. Last evaluated: 2023-07-17. Review status: criteria provided, single submitter. Criteria: ACMG Guidelines, 2015. Collection method: clinical testing. Allele origin: unknown.

Blueprint Genetics
Classification: Pathogenic for MKKS-related disorders. Last evaluated: 2019-03-15. Review status: criteria provided, single submitter. Criteria: ACMG Guidelines, 2015. Collection method: clinical testing. Allele origin: germline. Affected: yes. Observed: 1 variant allele.

Genetic Services Laboratory, University of Chicago
Classification: Pathogenic. Last evaluated: 2018-08-21. Review status: criteria provided, single submitter. Criteria: ACMG Guidelines, 2015. Collection method: clinical testing. Allele origin: germline. Affected: yes.
Comment: DNA sequence analysis of the MKKS gene demonstrated a single base pair deletion in exon 3, c.775del, in the apparent homozygous state. This pathogenic sequence change results in an amino acid frameshift and creates a premature stop codon 21 amino acids downstream of the mutation, p.Thr259Leufs*21. This pathogenic sequence change is predicted to result in an abnormal transcript, which may be degraded, or may lead to the production of a truncated MKKS protein with potentially abnormal function. This pathogenic sequence change has previously been described in the homozygous state in a patient with Bardet-Biedl syndrome (Ullah A et al., 2017).

NM_170784.3(MKKS):c.775del (p.Thr259fs)

Gene: MKKS (MKKS centrosomal shuttling protein; minus strand). Cytogenetic location: 20p12.2.
Variant type: Deletion.
Coding change: c.775del on transcript NM_170784.3 (MANE Select); coding-DNA position 775, one base deleted (A; older notation c.775delA).
Protein change: p.Thr259fs; shifts the reading frame from threonine 259.
Molecular consequence: frameshift variant.
Genome position (GRCh38, 1-based): chr20:10,412,740, T deleted on the plus strand (A on the coding strand, the reverse complement: MKKS is on the minus strand); the first of 2 consecutive T bases (chr20:10,412,740-10,412,741); deleting either gives the same sequence. VCF-style (leftmost placement, unchanged base first): chr20-10412739-GT-G. GRCh37 (hg19) VCF-style: chr20-10393387-GT-G.
Other names: c.775del, p.Thr259fs (NM_018848.3); short protein forms T259fs.
Identifiers: ClinVar variation 866319 (VCV000866319.7), dbSNP rs759131391, ClinGen allele CA9763630.